The following is an entry in ClinVar:

NM_014915.3(ANKRD26):c.-77C>G

Gene: ANKRD26 (ankyrin repeat domain 26; minus strand). Cytogenetic location: 10p12.1.
Variant type: single nucleotide variant.
Coding change: c.-77C>G on transcript NM_014915.3 (MANE Select); 77 bases upstream of the start codon, C replaced by G.
Molecular consequence: 5 prime UTR variant.
Genome position (GRCh38, 1-based): chr10:27,100,403, G>C on the plus strand (C>G on the coding strand, the complement: ANKRD26 is on the minus strand). VCF-style: chr10-27100403-G-C. GRCh37 (hg19) VCF-style: chr10-27389332-G-C.
Other names: p.?; c.-77C>G (NM_001256053.2).
Identifiers: ClinVar variation 880166 (VCV000880166.14), dbSNP rs546768605, ClinGen allele CA204453775.

ClinVar aggregate classification (germline): Benign/Likely benign. Review status: criteria provided, multiple submitters, no conflicts (2 of 4 stars). 5 submissions from 5 submitters: Benign (4); Likely benign (1). Last evaluated 2025-12-23.

Conditions:
Thrombocytopenia 2 (THC2). Also called: ANKRD26-Related Thrombocytopenia. Identifiers: Orphanet 268322, MedGen C1861185, MONDO:0008555, OMIM 188000.

Allele frequency attached by ClinVar (database versions not stated): 1000 Genomes Project 30x 0.00094; 1000 Genomes Project 0.00100; TOPMed 0.00162.
gnomAD v4.1: 312 of 1,580,350 alleles (0.02%); highest among the groups gnomAD compares: African/African-American, 0.41%; 1 homozygote.

Submissions (5):

Labcorp Genetics (formerly Invitae), Labcorp
Classification: Benign. Last evaluated: 2025-12-23. Review status: criteria provided, single submitter. Criteria: Invitae Variant Classification Sherloc (09022015). Collection method: clinical testing. Allele origin: germline.

Mayo Clinic Laboratories, Mayo Clinic
Classification: Likely benign. Last evaluated: 2024-12-20. Review status: criteria provided, single submitter. Criteria: ACMG Guidelines, 2015. Collection method: clinical testing. Allele origin: germline. Observed: 2 variant alleles.
Comment: BS1, BP4, BP7, PM1

Genome-Nilou Lab
Classification: Benign for Thrombocytopenia 2. Last evaluated: 2021-12-05. Review status: criteria provided, single submitter. Criteria: ACMG Guidelines, 2015. Collection method: clinical testing. Allele origin: germline. Affected: no.

Genetic Services Laboratory, University of Chicago
Classification: Benign. Last evaluated: 2020-03-23. Review status: criteria provided, single submitter. Criteria: ACMG Guidelines, 2015. Collection method: clinical testing. Allele origin: germline. Affected: no.

Illumina Laboratory Services, Illumina
Classification: Benign for Thrombocytopenia 2. Last evaluated: 2018-01-13. Review status: criteria provided, single submitter. Criteria: ICSL Variant Classification Criteria 13 December 2019. Collection method: clinical testing. Allele origin: germline.
Comment: This variant was observed in the ICSL laboratory as part of a predisposition screen in an ostensibly healthy population. It had not been previously curated by ICSL or reported in the Human Gene Mutation Database (HGMD: prior to June 1st, 2018), and was therefore a candidate for classification through an automated scoring system. Utilizing variant allele frequency, disease prevalence and penetrance estimates, and inheritance mode, an automated score was calculated to assess if this variant is too frequent to cause the disease. Based on the score and internal cut-off values, a variant classified as benign is not then subjected to further curation. The score for this variant resulted in a classification of benign for this disease.